The following is an entry in ClinVar:

ClinVar aggregate classification (germline): Pathogenic. Review status: criteria provided, multiple submitters, no conflicts (2 of 4 stars). 3 submissions from 3 submitters: Pathogenic (2). 1 of the submissions does not count toward it. Last evaluated 2023-05-22.

Conditions:
Familial thoracic aortic aneurysm and aortic dissection (TAAD). Also called: Thoracic aortic aneurysms and dissections. Identifiers: Orphanet 91387, MedGen C4707243, MONDO:0019625.
Marfan syndrome (MFS). Also called: Marfan syndrome type 1; Marfan syndrome, classic; Marfan's syndrome; FBN1-Related Marfan Syndrome; MARFAN SYNDROME, TYPE I. Identifiers: Orphanet 284963, Orphanet 558, MedGen C0024796, MONDO:0007947, OMIM 154700.

Submissions (3):

Labcorp Genetics (formerly Invitae), Labcorp
Classification: Pathogenic for Marfan syndrome; Familial thoracic aortic aneurysm and aortic dissection. Last evaluated: 2023-05-22. Review status: criteria provided, single submitter. Criteria: Invitae Variant Classification Sherloc (09022015). Collection method: clinical testing. Allele origin: germline.
Comment: This variant disrupts a region of the FBN1 protein in which other variant(s) (p.Gln2867*) have been determined to be pathogenic (PMID: 19293843). This suggests that this is a clinically significant region of the protein, and that variants that disrupt it are likely to be disease-causing. ClinVar contains an entry for this variant (Variation ID: 549466). This variant is also known as c.8512dupA (p.Lys2838fsX5). This premature translational stop signal has been observed in individual(s) with Marfan syndrome (PMID: 15241795). This variant is not present in population databases (gnomAD no frequency). This sequence change creates a premature translational stop signal (p.Lys2840Glufs*4) in the FBN1 gene. While this is not anticipated to result in nonsense mediated decay, it is expected to disrupt the last 32 amino acid(s) of the FBN1 protein. For these reasons, this variant has been classified as Pathogenic.

Centre of Medical Genetics, University of Antwerp
Classification: Pathogenic for Marfan syndrome. Last evaluated: 2021-03-01. Review status: criteria provided, single submitter. Criteria: Submitter's publication. Collection method: research. Allele origin: unknown. Affected: yes.
Comment: PM2, PVS1, PP4

Center for Medical Genetics Ghent, University of Ghent
Classification: Uncertain significance for Marfan syndrome. Last evaluated: 2017-11-07. Review status: no assertion criteria provided. Collection method: clinical testing. Allele origin: germline. Affected: yes. Not counted in ClinVar's aggregate classification.

Literature cited by the submitters: PubMed 19293843 (cited by Labcorp Genetics (formerly Invitae), Labcorp); PubMed 15241795 (cited by Labcorp Genetics (formerly Invitae), Labcorp).

NM_000138.5(FBN1):c.8516dup (p.Lys2840fs)

Gene: FBN1 (fibrillin 1; minus strand). Cytogenetic location: 15q21.1.
Variant type: Duplication.
Coding change: c.8516dup on transcript NM_000138.5 (MANE Select); coding-DNA position 8516, one base duplicated (A; older notation c.8516dupA).
Protein change: p.Lys2840fs; shifts the reading frame from lysine 2840.
Molecular consequence: frameshift variant.
Genome position (GRCh38, 1-based): chr15:48,411,090, T duplicated on the plus strand (A on the coding strand, the reverse complement: FBN1 is on the minus strand); the first of 5 consecutive T bases (chr15:48,411,090-48,411,094); duplicating any one gives the same sequence. VCF-style (leftmost placement, unchanged base first): chr15-48411089-C-CT. GRCh37 (hg19) VCF-style: chr15-48703286-C-CT.
Other names: short protein forms K2840fs.
Identifiers: ClinVar variation 549466 (VCV000549466.21), dbSNP rs1555393514, ClinGen allele CA658824372.